The following is an entry in ClinVar:

NM_001103.4(ACTN2):c.283C>T (p.His95Tyr)

Gene: ACTN2 (actinin alpha 2; plus strand). Cytogenetic location: 1q43.
Variant type: single nucleotide variant.
Coding change: c.283C>T on transcript NM_001103.4 (MANE Select); coding-DNA position 283, C replaced by T.
Protein change: p.His95Tyr; replaces histidine 95 with tyrosine.
Molecular consequence: missense variant. On other transcripts: 5 prime UTR variant (1).
Genome position (GRCh38, 1-based): chr1:236,718,935, C>T. VCF-style: chr1-236718935-C-T. GRCh37 (hg19) VCF-style: chr1-236882235-C-T.
Other names: c.283C>T, p.His95Tyr (NM_001278343.2); c.-539C>T (NM_001278344.2); short protein forms H95Y.
Identifiers: ClinVar variation 1374945 (VCV001374945.6), dbSNP rs2102894844, ClinGen allele CA345373531.

ClinVar aggregate classification (germline): Uncertain significance (1 of 4 stars; one submission).

Conditions:
Primary familial hypertrophic cardiomyopathy (HCM). Identifiers: Orphanet 99739, MedGen C0949658, MeSH D024741, MONDO:0024573. Inheritance: Various modes of inheritance.
Dilated cardiomyopathy 1AA (CMD1AA). Also called: Cardiomyopathy, dilated, 1AA, with or without LVNC; CARDIOMYOPATHY, FAMILIAL HYPERTROPHIC, 23, WITH OR WITHOUT LEFT VENTRICULAR NONCOMPACTION; CARDIOMYOPATHY, DILATED, 1AA, WITH OR WITHOUT LEFT VENTRICULAR NONCOMPACTION. Identifiers: Orphanet 154, MedGen C2677338, MONDO:0012808, OMIM 612158.

Submission:

Labcorp Genetics (formerly Invitae), Labcorp
Classification: Uncertain significance for Primary familial hypertrophic cardiomyopathy; Dilated cardiomyopathy 1AA. Last evaluated: 2021-08-14. Review status: criteria provided, single submitter. Criteria: Invitae Variant Classification Sherloc (09022015). Collection method: clinical testing. Allele origin: germline.
Comment: Algorithms developed to predict the effect of missense changes on protein structure and function (SIFT, PolyPhen-2, Align-GVGD) all suggest that this variant is likely to be disruptive. In summary, the available evidence is currently insufficient to determine the role of this variant in disease. Therefore, it has been classified as a Variant of Uncertain Significance. This variant has not been reported in the literature in individuals affected with ACTN2-related conditions. This variant is not present in population databases (ExAC no frequency). This sequence change replaces histidine with tyrosine at codon 95 of the ACTN2 protein (p.His95Tyr). The histidine residue is highly conserved and there is a moderate physicochemical difference between histidine and tyrosine.